The following is an entry in ClinVar:

ClinVar aggregate classification (germline): Benign/Likely benign. Review status: criteria provided, multiple submitters, no conflicts (2 of 4 stars). 10 submissions from 10 submitters: Benign (5); Likely benign (4). 1 of the submissions does not count toward it. Last evaluated 2026-04-15.

Conditions:
TERC-related disorder. Also called: TERC-related condition.
Pulmonary fibrosis and/or bone marrow failure, Telomere-related, 2. Also called: PULMONARY FIBROSIS AND/OR BONE MARROW FAILURE SYNDROME, TELOMERE-RELATED, 2. Identifiers: Orphanet 88, MedGen C3553622, MONDO:0013879, OMIM 614743.
Dyskeratosis congenita, autosomal dominant 1 (DKCA1). Also called: Dyskeratosis congenita Scoggins type. Identifiers: Orphanet 1775, MedGen C4551974, MONDO:0007485, OMIM 127550. Inheritance: Variable.

Allele frequency attached by ClinVar (database versions not stated): gnomAD exomes 0.00058 and 0.00111; ExAC 0.00187; gnomAD 0.00451 and 0.00478; TOPMed 0.00492; 1000 Genomes Project 0.00679; 1000 Genomes Project 30x 0.00718.
gnomAD v4.1: 1,030 of 729,688 alleles (0.14%); highest among the groups gnomAD compares: African/African-American, 1.6%; 11 homozygotes.

Submissions (10):

PreventionGenetics, part of Exact Sciences
Classification: Benign for TERC-related condition. Last evaluated: 2026-04-15. Review status: criteria provided, single submitter. Criteria: ACMG Guidelines, 2015. Collection method: clinical testing. Allele origin: germline.
Comment: This variant is classified as benign based on ACMG/AMP sequence variant interpretation guidelines (Richards et al. 2015 PMID: 25741868, with internal and published modifications).

Labcorp Genetics (formerly Invitae), Labcorp
Classification: Benign for Dyskeratosis congenita, autosomal dominant 1. Last evaluated: 2026-02-01. Review status: criteria provided, single submitter. Criteria: Invitae Variant Classification Sherloc (09022015). Collection method: clinical testing. Allele origin: germline.

Blueprint Genetics
Classification: Likely benign. Last evaluated: 2024-10-22. Review status: criteria provided, single submitter. Criteria: ACMG Guidelines, 2015. Collection method: clinical testing. Allele origin: germline.

ARUP Laboratories, Molecular Genetics and Genomics, ARUP Laboratories
Classification: Benign. Last evaluated: 2024-10-10. Review status: criteria provided, single submitter. Criteria: ARUP Molecular Germline Variant Investigation Process 2024. Collection method: clinical testing. Allele origin: germline.

Mayo Clinic Laboratories, Mayo Clinic
Classification: Benign. Last evaluated: 2022-05-25. Review status: criteria provided, single submitter. Criteria: ACMG Guidelines, 2015. Collection method: clinical testing. Allele origin: germline. Observed: 3 variant alleles.
Comment: BS1, BS2

Fulgent Genetics
Classification: Likely benign for Dyskeratosis congenita, autosomal dominant 1; Pulmonary fibrosis and/or bone marrow failure, Telomere-related, 2. Last evaluated: 2021-07-02. Review status: criteria provided, single submitter. Criteria: ACMG Guidelines, 2015. Collection method: clinical testing. Allele origin: unknown.

Genetic Services Laboratory, University of Chicago
Classification: Benign. Last evaluated: 2017-12-11. Review status: criteria provided, single submitter. Criteria: ACMG Guidelines, 2015. Collection method: clinical testing. Allele origin: germline. Affected: no.

GeneDx
Classification: Likely benign. Last evaluated: 2016-11-02. Review status: criteria provided, single submitter. Criteria: GeneDx Variant Classification (06012015). Collection method: clinical testing. Allele origin: germline. Affected: yes.
Comment: This variant is considered likely benign or benign based on one or more of the following criteria: it is a conservative change, it occurs at a poorly conserved position in the protein, it is predicted to be benign by multiple in silico algorithms, and/or has population frequency not consistent with disease.

Center for Pediatric Genomic Medicine, Children's Mercy Hospital and Clinics
Classification: Likely benign. Last evaluated: 2016-05-03. Review status: criteria provided, single submitter. Criteria: ACMG Guidelines, 2015. Collection method: clinical testing. Allele origin: germline.
ClinVar note: Converted during submission from Likely Benign to Likely benign.

GeneReviews
Classification: Pathogenic for Dyskeratosis Congenita. Last evaluated: 2012-05-10. Review status: no assertion criteria provided. Collection method: curation. Allele origin: unknown. Not counted in ClinVar's aggregate classification.
ClinVar note: Converted during submission from pathologic to Pathogenic.

NR_001566.3(TERC):n.228G>A

Genes: TERC (telomerase RNA component; minus strand), LOC110806306 (telomerase RNA component (TERC) promoter; plus strand). Cytogenetic location: 3q26.2.
Variant type: single nucleotide variant.
Genome position: GRCh38 VCF-style: chr3-169764833-C-T. GRCh37 (hg19) VCF-style: chr3-169482621-C-T.
Other names: NR_001566.1:r.228G>A (G228A).
Identifiers: ClinVar variation 39286 (VCV000039286.27), dbSNP rs141686314, ClinGen allele CA343758.